The following is an entry in ClinVar:

NM_004006.3(DMD):c.2555G>A (p.Trp852Ter)

Gene: DMD (dystrophin; minus strand). Cytogenetic location: Xp21.1.
Variant type: single nucleotide variant.
Coding change: c.2555G>A on transcript NM_004006.3 (MANE Select); coding-DNA position 2555, G replaced by A.
Protein change: p.Trp852Ter; replaces tryptophan 852 with a stop codon.
Molecular consequence: nonsense.
Genome position (GRCh38, 1-based): chrX:32,491,344, C>T on the plus strand (G>A on the coding strand, the complement: DMD is on the minus strand). VCF-style: chrX-32491344-C-T. GRCh37 (hg19) VCF-style: chrX-32509461-C-T.
Other names: c.2531G>A, p.Trp844Ter (NM_000109.4); c.2543G>A, p.Trp848Ter (NM_004009.3); c.2186G>A, p.Trp729Ter (NM_004010.3); short protein forms W852*, W729*, W848*, W844*.
Identifiers: ClinVar variation 419572 (VCV000419572.13), dbSNP rs1064793964, ClinGen allele CA16621364.

ClinVar aggregate classification (germline): Pathogenic. Review status: criteria provided, multiple submitters, no conflicts (2 of 4 stars). 4 submissions from 4 submitters: Pathogenic (4). Last evaluated 2021-10-28.

Conditions:
Cardiovascular phenotype. Identifiers: MedGen CN230736.
Neuromuscular disease caused by qualitative or quantitative defects of dystrophin. Also called: Qualitative or quantitative defects of dystrophin. Identifiers: Orphanet 207085, MedGen C5679787, MONDO:0016147.
Duchenne muscular dystrophy (DMD). Also called: MUSCULAR DYSTROPHY, PSEUDOHYPERTROPHIC PROGRESSIVE, DUCHENNE TYPE; Duchenne Muscular Dystrophy (DMD). Identifiers: Orphanet 98896, MedGen C0013264, MONDO:0010679, OMIM 310200.

Submissions (4):

Labcorp Genetics (formerly Invitae), Labcorp
Classification: Pathogenic for Duchenne muscular dystrophy. Last evaluated: 2021-10-28. Review status: criteria provided, single submitter. Criteria: Invitae Variant Classification Sherloc (09022015). Collection method: clinical testing. Allele origin: germline.
Comment: For these reasons, this variant has been classified as Pathogenic. ClinVar contains an entry for this variant (Variation ID: 419572). This premature translational stop signal has been observed in individual(s) with personal and/or family history of dystrophinopathies (PMID: 31412794). This variant is not present in population databases (gnomAD no frequency). This sequence change creates a premature translational stop signal (p.Trp852*) in the DMD gene. It is expected to result in an absent or disrupted protein product. Loss-of-function variants in DMD are known to be pathogenic (PMID: 16770791, 25007885).

Women's Health and Genetics/Laboratory Corporation of America, LabCorp
Classification: Pathogenic for Dystrophinopathies. Last evaluated: 2020-12-18. Review status: criteria provided, single submitter. Criteria: LabCorp Variant Classification Summary - May 2015. Collection method: clinical testing. Allele origin: germline.
Comment: Variant summary: DMD c.2555G>A (p.Trp852X) results in a premature termination codon, predicted to cause a truncation of the encoded protein or absence of the protein due to nonsense mediated decay, which are commonly known mechanisms for disease. Truncations downstream of this position have been classified as pathogenic by our laboratory. The variant was absent in 183474 control chromosomes. c.2555G>A has been reported in the literature in individuals affected with Dystrophinopathies (Kong_2019). Two clinical diagnostic laboratories have submitted clinical-significance assessments for this variant to ClinVar after 2014 without evidence for independent evaluation. Both laboratories classified the variant as pathogenic. Based on the evidence outlined above, the variant was classified as pathogenic.

Ambry Genetics
Classification: Pathogenic for Cardiovascular phenotype. Last evaluated: 2019-04-22. Review status: criteria provided, single submitter. Criteria: Ambry Variant Classification Scheme 2023. Collection method: clinical testing. Allele origin: germline.
Comment: The p.W852* pathogenic mutation (also known as c.2555G>A), located in coding exon 20 of the DMD gene, results from a G to A substitution at nucleotide position 2555. This changes the amino acid from a tryptophan to a stop codon within coding exon 20. This alteration is expected to result in loss of function by premature protein truncation or nonsense-mediated mRNA decay. As such, this alteration is interpreted as a disease-causing mutation.

GeneDx
Classification: Pathogenic. Last evaluated: 2015-07-23. Review status: criteria provided, single submitter. Criteria: GeneDx Variant Classification (06012015). Collection method: clinical testing. Allele origin: germline. Affected: yes.
Comment: The W852X nonsense variant in the DMD gene is predicted to cause loss of normal protein function either through protein truncation or nonsense-mediated mRNA decay. The W852X variant was not observed inapproximately 6,500 individuals of European and African American ancestry in the NHLBI Exome SequencingProject, indicating it is not a common benign variant in these populations. Although this variant has not beenpreviously reported, we interpret it to be a pathogenic variant.

Literature cited by the submitters: PubMed 31412794 (cited by Labcorp Genetics (formerly Invitae), Labcorp and Women's Health and Genetics/Laboratory Corporation of America, LabCorp); PubMed 16770791 (cited by Labcorp Genetics (formerly Invitae), Labcorp); PubMed 25007885 (cited by Labcorp Genetics (formerly Invitae), Labcorp).